The following is an entry in ClinVar:

NM_003923.3(FOXH1):c.167T>G (p.Leu56Arg)

Gene: FOXH1 (forkhead box H1; minus strand). Cytogenetic location: 8q24.3.
Variant type: single nucleotide variant.
Coding change: c.167T>G on transcript NM_003923.3 (MANE Select); coding-DNA position 167, T replaced by G.
Protein change: p.Leu56Arg; replaces leucine 56 with arginine.
Molecular consequence: missense variant.
Genome position (GRCh38, 1-based): chr8:144,475,590, A>C on the plus strand (T>G on the coding strand, the complement: FOXH1 is on the minus strand). VCF-style: chr8-144475590-A-C. GRCh37 (hg19) VCF-style: chr8-145700973-A-C.
Other names: short protein forms L56R.
Identifiers: ClinVar variation 2837877 (VCV002837877.3), dbSNP rs1432914116, ClinGen allele CA372726010.

ClinVar aggregate classification (germline): Uncertain significance (1 of 4 stars; one submission).

Conditions:
Holoprosencephaly sequence (HPE). Also called: Holoprosencephaly. Identifiers: Orphanet 2162, MedGen C0079541, MONDO:0016296, HP:0001360.

Allele frequency attached by ClinVar (database versions not stated): gnomAD 0.00001.

Submission:

Labcorp Genetics (formerly Invitae), Labcorp
Classification: Uncertain significance for Holoprosencephaly sequence. Last evaluated: 2022-11-14. Review status: criteria provided, single submitter. Criteria: Invitae Variant Classification Sherloc (09022015). Collection method: clinical testing. Allele origin: germline.
Comment: This sequence change replaces leucine, which is neutral and non-polar, with arginine, which is basic and polar, at codon 56 of the FOXH1 protein (p.Leu56Arg). This variant is present in population databases (no rsID available, gnomAD 0.009%). This variant has not been reported in the literature in individuals affected with FOXH1-related conditions. Advanced modeling of protein sequence and biophysical properties (such as structural, functional, and spatial information, amino acid conservation, physicochemical variation, residue mobility, and thermodynamic stability) has been performed at Invitae for this missense variant, however the output from this modeling did not meet the statistical confidence thresholds required to predict the impact of this variant on FOXH1 protein function. In summary, the available evidence is currently insufficient to determine the role of this variant in disease. Therefore, it has been classified as a Variant of Uncertain Significance.